The following is an entry in ClinVar:

NM_003190.5(TAPBP):c.1148G>A (p.Arg383Gln)

Gene: TAPBP (TAP binding protein; minus strand). Cytogenetic location: 6p21.32.
Variant type: single nucleotide variant.
Coding change: c.1148G>A on transcript NM_003190.5 (MANE Select); coding-DNA position 1148, G replaced by A.
Protein change: p.Arg383Gln; replaces arginine 383 with glutamine.
Molecular consequence: missense variant.
Genome position (GRCh38, 1-based): chr6:33,304,359, C>T on the plus strand (G>A on the coding strand, the complement: TAPBP is on the minus strand). VCF-style: chr6-33304359-C-T. GRCh37 (hg19) VCF-style: chr6-33272136-C-T.
Other names: c.1148G>A, p.Arg383Gln (NM_001410875.1, NM_172208.3); c.887G>A, p.Arg296Gln (NM_172209.3); short protein forms R383Q, R296Q.
Identifiers: ClinVar variation 2860090 (VCV002860090.5), dbSNP rs750940622, ClinGen allele CA3755710.

ClinVar aggregate classification (germline): Uncertain significance. Review status: criteria provided, multiple submitters, no conflicts (2 of 4 stars). 3 submissions from 3 submitters: Uncertain significance (3). Last evaluated 2026-01-02.

Conditions:
MHC class I deficiency. Identifiers: Orphanet 34592, MedGen C6024714, MONDO:0011476.

Allele frequency attached by ClinVar (database versions not stated): gnomAD 0.00001; gnomAD exomes 0.00002; TOPMed 0.00002; ExAC 0.00004.

Submissions (3):

Labcorp Genetics (formerly Invitae), Labcorp
Classification: Uncertain significance for MHC class I deficiency 1. Last evaluated: 2026-01-02. Review status: criteria provided, single submitter. Criteria: Invitae Variant Classification Sherloc (09022015). Collection method: clinical testing. Allele origin: germline.
Comment: This sequence change replaces arginine, which is basic and polar, with glutamine, which is neutral and polar, at codon 383 of the TAPBP protein (p.Arg383Gln). This variant is present in population databases (rs750940622, gnomAD 0.01%). This variant has not been reported in the literature in individuals affected with TAPBP-related conditions. ClinVar contains an entry for this variant (Variation ID: 2860090). An algorithm developed to predict the effect of missense changes on protein structure and function (PolyPhen-2) suggests that this variant is likely to be disruptive. In summary, the available evidence is currently insufficient to determine the role of this variant in disease. Therefore, it has been classified as a Variant of Uncertain Significance.

Ambry Genetics
Classification: Uncertain significance. Last evaluated: 2025-08-28. Review status: criteria provided, single submitter. Criteria: Ambry Variant Classification Scheme 2023. Collection method: clinical testing. Allele origin: germline.

Blueprint Genetics
Classification: Uncertain significance. Last evaluated: 2024-09-11. Review status: criteria provided, single submitter. Criteria: ACMG Guidelines, 2015. Collection method: clinical testing. Allele origin: germline.